The following is an entry in ClinVar:

NM_001197104.2(KMT2A):c.8242G>A (p.Gly2748Ser)

Gene: KMT2A (lysine methyltransferase 2A; plus strand). Cytogenetic location: 11q23.3.
Variant type: single nucleotide variant.
Coding change: c.8242G>A on transcript NM_001197104.2 (MANE Select); coding-DNA position 8242, G replaced by A.
Protein change: p.Gly2748Ser; replaces glycine 2748 with serine.
Molecular consequence: missense variant.
Genome position (GRCh38, 1-based): chr11:118,504,134, G>A. VCF-style: chr11-118504134-G-A. GRCh37 (hg19) VCF-style: chr11-118374849-G-A.
Other names: c.8332G>A, p.Gly2778Ser (NM_001412597.1); c.8233G>A, p.Gly2745Ser (NM_005933.4); short protein forms G2748S, G2745S, G2778S.
Identifiers: ClinVar variation 2777641 (VCV002777641.3), dbSNP rs1276397636, ClinGen allele CA382809389.

ClinVar aggregate classification (germline): Uncertain significance (1 of 4 stars; one submission).

Allele frequency attached by ClinVar (database versions not stated): TOPMed below 0.00001; gnomAD 0.00001.
gnomAD v4.1: 4 of 1,613,984 alleles (0.00025%); highest among the groups gnomAD compares: Non-Finnish European, 0.00034%; no homozygotes.

Submission:

Labcorp Genetics (formerly Invitae), Labcorp
Classification: Uncertain significance. Last evaluated: 2025-02-23. Review status: criteria provided, single submitter. Criteria: Invitae Variant Classification Sherloc (09022015). Collection method: clinical testing. Allele origin: germline.
Comment: This sequence change replaces glycine, which is neutral and non-polar, with serine, which is neutral and polar, at codon 2748 of the KMT2A protein (p.Gly2748Ser). This variant is not present in population databases (gnomAD no frequency). This variant has not been reported in the literature in individuals affected with KMT2A-related conditions. ClinVar contains an entry for this variant (Variation ID: 2777641). Invitae Evidence Modeling of protein sequence and biophysical properties (such as structural, functional, and spatial information, amino acid conservation, physicochemical variation, residue mobility, and thermodynamic stability) indicates that this missense variant is not expected to disrupt KMT2A protein function with a negative predictive value of 95%. In summary, the available evidence is currently insufficient to determine the role of this variant in disease. Therefore, it has been classified as a Variant of Uncertain Significance.